The following is an entry in ClinVar:

NM_000092.5(COL4A4):c.1943G>A (p.Gly648Asp)

Gene: COL4A4 (collagen type IV alpha 4 chain; minus strand). Cytogenetic location: 2q36.3.
Variant type: single nucleotide variant.
Coding change: c.1943G>A on transcript NM_000092.5 (MANE Select); coding-DNA position 1943, G replaced by A.
Protein change: p.Gly648Asp; replaces glycine 648 with aspartic acid.
Molecular consequence: missense variant.
Genome position (GRCh38, 1-based): chr2:227,077,938, C>T on the plus strand (G>A on the coding strand, the complement: COL4A4 is on the minus strand). VCF-style: chr2-227077938-C-T. GRCh37 (hg19) VCF-style: chr2-227942654-C-T.
Other names: short protein forms G648D.
Identifiers: ClinVar variation 4065054 (VCV004065054.3).
Genomic context (GRCh38, chr2:227,077,938, plus strand): 5'-ATTTTTTTAAAATTACCTTTCTGACCCTTCAAGCCATCAGGGCCCCTCACACCTGGGTGG[C>T]CTGGAACTCCTGGGTGGCCTCGCTCTCCTGGTGGACCAGGAAATCCCAGTCCTGGGGGCC-3'
Protein context (NP_000083.3, residues 638-658): PGERGHPGVP[Gly648Asp]HPGVRGPDGL

ClinVar aggregate classification (germline): Pathogenic/Likely pathogenic. Review status: criteria provided, multiple submitters, no conflicts (2 of 4 stars). 2 submissions from 2 submitters: Pathogenic (1); Likely pathogenic (1). Last evaluated 2025-12-15.

Conditions:
Alport syndrome. Also called: Hemorrhagic familial nephritis; Hemorrhagic hereditary nephritis; Congenital hereditary hematuria. Identifiers: Orphanet 63, MedGen C1567741, MONDO:0018965.

Submissions (2):

Labcorp Genetics (formerly Invitae), Labcorp
Classification: Pathogenic. Last evaluated: 2025-12-15. Review status: criteria provided, single submitter. Criteria: Invitae Variant Classification Sherloc (09022015). Collection method: clinical testing. Allele origin: germline.
Comment: This sequence change replaces glycine, which is neutral and non-polar, with aspartic acid, which is acidic and polar, at codon 648 of the COL4A4 protein (p.Gly648Asp). This variant is not present in population databases (gnomAD no frequency). This missense change has been observed in individuals with autosomal dominant Alport syndrome (PMID: 3724865; internal data). It has also been observed to segregate with disease in related individuals. ClinVar contains an entry for this variant (Variation ID: 4065054). Invitae Evidence Modeling of protein sequence and biophysical properties (such as structural, functional, and spatial information, amino acid conservation, physicochemical variation, residue mobility, and thermodynamic stability) indicates that this missense variant is expected to disrupt COL4A4 protein function with a positive predictive value of 95%. For these reasons, this variant has been classified as Pathogenic.

Natera, Inc.
Classification: Likely pathogenic for Alport syndrome. Last evaluated: 2025-02-14. Review status: criteria provided, single submitter. Criteria: Natera Variant Classification Schema (03/2026). Collection method: clinical testing. Allele origin: germline.
Comment: The c.1943G>A variant in COL4A4 is a missense variant predicted to cause substitution of glycine to aspartic acid at amino acid 648. This variant is rare in the general population with a frequency below the threshold expected for the associated phenotype(s). This variant has been observed in affected individual(s) with monoallelic occurrence (heterozygous/hemizygous) (PMID: 37248651). This variant is located in a functionally critical region of the protein. Computational prediction algorithms indicate this variant is likely to affect gene or protein function. Given the available evidence, this variant is classified as Likely Pathogenic.

Literature cited by the submitters: PubMed 3724865 (cited by Labcorp Genetics (formerly Invitae), Labcorp); PubMed 37248651 (cited by Natera, Inc.).